The following is an entry in ClinVar:

ClinVar aggregate classification (germline): Uncertain significance (1 of 4 stars; one submission).

Allele frequency attached by ClinVar (database versions not stated): gnomAD exomes below 0.00001 and 0.00001; gnomAD 0.00001; ExAC 0.00002; TOPMed 0.00002.

Submission:

Labcorp Genetics (formerly Invitae), Labcorp
Classification: Uncertain significance. Last evaluated: 2024-02-20. Review status: criteria provided, single submitter. Criteria: Invitae Variant Classification Sherloc (09022015). Collection method: clinical testing. Allele origin: germline.
Comment: This sequence change replaces glycine, which is neutral and non-polar, with arginine, which is basic and polar, at codon 157 of the TAF2 protein (p.Gly157Arg). This variant is present in population databases (rs781407264, gnomAD 0.009%). This variant has not been reported in the literature in individuals affected with TAF2-related conditions. ClinVar contains an entry for this variant (Variation ID: 1493678). Advanced modeling of protein sequence and biophysical properties (such as structural, functional, and spatial information, amino acid conservation, physicochemical variation, residue mobility, and thermodynamic stability) performed at Invitae indicates that this missense variant is not expected to disrupt TAF2 protein function with a negative predictive value of 80%. In summary, the available evidence is currently insufficient to determine the role of this variant in disease. Therefore, it has been classified as a Variant of Uncertain Significance.

NM_003184.4(TAF2):c.469G>A (p.Gly157Arg)

Gene: TAF2 (TATA-box binding protein associated factor 2; minus strand). Cytogenetic location: 8q24.12.
Variant type: single nucleotide variant.
Coding change: c.469G>A on transcript NM_003184.4 (MANE Select); coding-DNA position 469, G replaced by A.
Protein change: p.Gly157Arg; replaces glycine 157 with arginine.
Molecular consequence: missense variant.
Genome position (GRCh38, 1-based): chr8:119,803,969, C>T on the plus strand (G>A on the coding strand, the complement: TAF2 is on the minus strand). VCF-style: chr8-119803969-C-T. GRCh37 (hg19) VCF-style: chr8-120816209-C-T.
Other names: short protein forms G157R.
Identifiers: ClinVar variation 1493678 (VCV001493678.5), dbSNP rs781407264, ClinGen allele CA4857548.